The following is an entry in ClinVar:

ClinVar aggregate classification (germline): Uncertain significance (1 of 4 stars; one submission).

Submission:

Labcorp Genetics (formerly Invitae), Labcorp
Classification: Uncertain significance. Last evaluated: 2023-05-07. Review status: criteria provided, single submitter. Criteria: Invitae Variant Classification Sherloc (09022015). Collection method: clinical testing. Allele origin: unknown.
Comment: In summary, the available evidence is currently insufficient to determine the role of this variant in disease. Therefore, it has been classified as a Variant of Uncertain Significance. This variant has not been reported in the literature in individuals affected with GNA11-related conditions. This variant is a gross deletion of the genomic region encompassing exon(s) 1 of the GNA11 gene, which includes the initiator codon. This deletion extends beyond the assayed region for this gene and therefore may encompass additional genes. It is expected to result in an absent or disrupted protein product. However, the current clinical and genetic evidence is not sufficient to establish whether loss-of-function variants in GNA11 cause disease.

NC_000019.9:g.(?_3094650)_(3094795_?)del

Gene: GNA11 (G protein subunit alpha 11; plus strand). Cytogenetic location: 19p13.3.
Variant type: Deletion.
Identifiers: ClinVar variation 3242667 (VCV003242667.1).